The following is an entry in ClinVar:

NM_000038.6(APC):c.2381G>A (p.Ser794Asn)

Gene: APC (APC regulator of Wnt signaling pathway; plus strand). Cytogenetic location: 5q22.2.
Variant type: single nucleotide variant.
Coding change: c.2381G>A on transcript NM_000038.6 (MANE Select); coding-DNA position 2381, G replaced by A.
Protein change: p.Ser794Asn; replaces serine 794 with asparagine.
Molecular consequence: missense variant.
Genome position (GRCh38, 1-based): chr5:112,837,975, G>A. VCF-style: chr5-112837975-G-A. GRCh37 (hg19) VCF-style: chr5-112173672-G-A.
Other names: c.2381G>A, p.Ser794Asn (NM_001127510.3, NM_001354895.2, NM_001407450.1); c.2327G>A, p.Ser776Asn (NM_001127511.3); c.2435G>A, p.Ser812Asn (NM_001354896.2, NM_001407447.1, NM_001407448.1 and 1 more transcripts); c.2411G>A, p.Ser804Asn (NM_001354897.2); c.2306G>A, p.Ser769Asn (NM_001354898.2); c.2297G>A, p.Ser766Asn (NM_001354899.2); c.2258G>A, p.Ser753Asn (NM_001354900.2); c.2204G>A, p.Ser735Asn (NM_001354901.2, NM_001407453.1); and 11 more; short protein forms S634N, S735N, S776N, S804N, S665N, S769N, S812N, S410N.
Identifiers: ClinVar variation 1790453 (VCV001790453.4), dbSNP rs1278540627, ClinGen allele CA16026564.

ClinVar aggregate classification (germline): Conflicting classifications of pathogenicity. Review status: criteria provided, conflicting classifications (1 of 4 stars). 2 submissions from 2 submitters: Uncertain significance (1); Likely benign (1). Last evaluated 2024-03-29.

Conditions:
Hereditary cancer-predisposing syndrome. Also called: Hereditary Cancer Syndrome; Hereditary neoplastic syndrome; Tumor predisposition; Neoplastic Syndromes, Hereditary. Identifiers: Orphanet 140162, MedGen C0027672, MeSH D009386, MONDO:0015356.
Familial adenomatous polyposis 1 (FAP1). Also called: FAMILIAL ADENOMATOUS POLYPOSIS 1, ATTENUATED; POLYPOSIS, ADENOMATOUS INTESTINAL. Identifiers: MedGen C2713442, MONDO:0021056, OMIM 175100. Disease mechanism: loss of function.

Allele frequency attached by ClinVar (database versions not stated): TOPMed below 0.00001.

Submissions (2):

Labcorp Genetics (formerly Invitae), Labcorp
Classification: Uncertain significance for Familial adenomatous polyposis 1. Last evaluated: 2024-03-29. Review status: criteria provided, single submitter. Criteria: Invitae Variant Classification Sherloc (09022015). Collection method: clinical testing. Allele origin: germline.
Comment: This sequence change replaces serine, which is neutral and polar, with asparagine, which is neutral and polar, at codon 794 of the APC protein (p.Ser794Asn). This variant is not present in population databases (gnomAD no frequency). This variant has not been reported in the literature in individuals affected with APC-related conditions. ClinVar contains an entry for this variant (Variation ID: 1790453). Advanced modeling of protein sequence and biophysical properties (such as structural, functional, and spatial information, amino acid conservation, physicochemical variation, residue mobility, and thermodynamic stability) performed at Invitae indicates that this missense variant is not expected to disrupt APC protein function with a negative predictive value of 95%. In summary, the available evidence is currently insufficient to determine the role of this variant in disease. Therefore, it has been classified as a Variant of Uncertain Significance.

Ambry Genetics
Classification: Likely benign for Hereditary cancer-predisposing syndrome. Last evaluated: 2022-07-26. Review status: criteria provided, single submitter. Criteria: Ambry Variant Classification Scheme 2023. Collection method: clinical testing. Allele origin: germline.